The following is an entry in ClinVar:

NM_000051.4(ATM):c.6269A>G (p.Asp2090Gly)

Genes: ATM (ATM serine/threonine kinase; plus strand), C11orf65 (chromosome 11 open reading frame 65; minus strand). Cytogenetic location: 11q22.3.
Variant type: single nucleotide variant.
Coding change: c.6269A>G on transcript NM_000051.4 (MANE Select); coding-DNA position 6269, A replaced by G.
Protein change: p.Asp2090Gly; replaces aspartic acid 2090 with glycine.
Molecular consequence: missense variant. On other transcripts: intron variant (2).
Genome position (GRCh38, 1-based): chr11:108,317,443, A>G. VCF-style: chr11-108317443-A-G. GRCh37 (hg19) VCF-style: chr11-108188170-A-G.
Other names: c.6269A>G, p.Asp2090Gly (NM_001351834.2); c.641-8372T>C (NM_001330368.2); c.*39-8372T>C (NM_001351110.2); short protein forms D2090G.
Identifiers: ClinVar variation 3326333 (VCV003326333.1).

ClinVar aggregate classification (germline): Uncertain significance (1 of 4 stars; one submission).

Conditions:
Hereditary cancer-predisposing syndrome. Also called: Neoplastic Syndromes, Hereditary; Tumor predisposition; Hereditary Cancer Syndrome; Hereditary neoplastic syndrome. Identifiers: Orphanet 140162, MedGen C0027672, MeSH D009386, MONDO:0015356.

gnomAD v4.1: 1 of 1,612,520 alleles (0.000062%); highest among the groups gnomAD compares: Non-Finnish European, 0.000085%; no homozygotes.

Submission:

Ambry Genetics
Classification: Uncertain significance for Hereditary cancer-predisposing syndrome. Last evaluated: 2024-05-20. Review status: criteria provided, single submitter. Criteria: Ambry Variant Classification Scheme 2023. Collection method: clinical testing. Allele origin: germline.
Comment: The p.D2090G variant (also known as c.6269A>G), located in coding exon 42 of the ATM gene, results from an A to G substitution at nucleotide position 6269. The aspartic acid at codon 2090 is replaced by glycine, an amino acid with similar properties. This amino acid position is conserved. In addition, this alteration is predicted to be tolerated by in silico analysis. Based on the available evidence, the clinical significance of this variant remains unclear.